The following is an entry in ClinVar:

NM_000038.6(APC):c.4440G>C (p.Gln1480His)

Gene: APC (APC regulator of Wnt signaling pathway; plus strand). Cytogenetic location: 5q22.2.
Variant type: single nucleotide variant.
Coding change: c.4440G>C on transcript NM_000038.6 (MANE Select); coding-DNA position 4440, G replaced by C.
Protein change: p.Gln1480His; replaces glutamine 1480 with histidine.
Molecular consequence: missense variant.
Genome position (GRCh38, 1-based): chr5:112,840,034, G>C. VCF-style: chr5-112840034-G-C. GRCh37 (hg19) VCF-style: chr5-112175731-G-C.
Other names: c.4440G>C, p.Gln1480His (NM_001127510.3, NM_001354895.2); c.4386G>C, p.Gln1462His (NM_001127511.3); c.4494G>C, p.Gln1498His (NM_001354896.2); c.4470G>C, p.Gln1490His (NM_001354897.2); c.4365G>C, p.Gln1455His (NM_001354898.2); c.4356G>C, p.Gln1452His (NM_001354899.2); c.4317G>C, p.Gln1439His (NM_001354900.2); c.4263G>C, p.Gln1421His (NM_001354901.2); and 5 more; short protein forms Q1462H, Q1480H, Q1197H, Q1379H, Q1439H, Q1498H, Q1452H, Q1320H.
Identifiers: ClinVar variation 482375 (VCV000482375.32), dbSNP rs876659881, ClinGen allele CA16031052.

ClinVar aggregate classification (germline): Uncertain significance. Review status: criteria provided, multiple submitters, no conflicts (2 of 4 stars). 9 submissions from 9 submitters: Uncertain significance (8). 1 of the submissions does not count toward it. Last evaluated 2025-12-24.

Conditions:
Hereditary cancer-predisposing syndrome. Also called: Neoplastic Syndromes, Hereditary; Tumor predisposition; Hereditary Cancer Syndrome; Hereditary neoplastic syndrome. Identifiers: Orphanet 140162, MedGen C0027672, MeSH D009386, MONDO:0015356.
Familial adenomatous polyposis 1 (FAP1). Also called: FAMILIAL ADENOMATOUS POLYPOSIS 1, ATTENUATED; POLYPOSIS, ADENOMATOUS INTESTINAL. Identifiers: MedGen C2713442, MONDO:0021056, OMIM 175100. Disease mechanism: loss of function.
Classic or attenuated familial adenomatous polyposis. Identifiers: MedGen CN372698, MONDO:0021057.
Intrahepatic cholangiocarcinoma. Identifiers: MedGen C0345905, MONDO:0003210.

Allele frequency attached by ClinVar (database versions not stated): TOPMed 0.00002.
gnomAD v4.1: 5 of 1,613,954 alleles (0.00031%); highest among the groups gnomAD compares: Non-Finnish European, 0.00042%; no homozygotes.

Submissions (9):

Labcorp Genetics (formerly Invitae), Labcorp
Classification: Uncertain significance for Familial adenomatous polyposis 1. Last evaluated: 2025-12-24. Review status: criteria provided, single submitter. Criteria: Invitae Variant Classification Sherloc (09022015). Collection method: clinical testing. Allele origin: germline.
Comment: This sequence change replaces glutamine, which is neutral and polar, with histidine, which is basic and polar, at codon 1480 of the APC protein (p.Gln1480His). This variant is not present in population databases (gnomAD no frequency). This variant has not been reported in the literature in individuals affected with APC-related conditions. ClinVar contains an entry for this variant (Variation ID: 482375). Invitae Evidence Modeling of protein sequence and biophysical properties (such as structural, functional, and spatial information, amino acid conservation, physicochemical variation, residue mobility, and thermodynamic stability) indicates that this missense variant is not expected to disrupt APC protein function with a negative predictive value of 95%. In summary, the available evidence is currently insufficient to determine the role of this variant in disease. Therefore, it has been classified as a Variant of Uncertain Significance.

Center for Genomic Medicine, Rigshospitalet, Copenhagen University Hospital
Classification: Uncertain significance. Last evaluated: 2025-03-04. Review status: criteria provided, single submitter. Criteria: ACMG Guidelines, 2015. Collection method: clinical testing. Allele origin: germline.

Color Diagnostics, LLC DBA Color Health
Classification: Uncertain significance for Hereditary cancer-predisposing syndrome. Last evaluated: 2024-03-06. Review status: criteria provided, single submitter. Criteria: ACMG Guidelines, 2015. Collection method: clinical testing. Allele origin: germline.
Comment: This missense variant replaces glutamine with histidine at codon 1480 of the APC protein. Computational prediction is inconclusive regarding the impact of this variant on protein structure and function (internally defined REVEL score threshold 0.5 < inconclusive < 0.7, PMID: 27666373). To our knowledge, functional studies have not been reported for this variant. This variant has not been reported in individuals affected with APC-related disorders in the literature. This variant has not been identified in the general population by the Genome Aggregation Database (gnomAD). The available evidence is insufficient to determine the role of this variant in disease conclusively. Therefore, this variant is classified as a Variant of Uncertain Significance.

St. Jude Molecular Pathology, St. Jude Children's Research Hospital
Classification: Uncertain significance for Familial adenomatous polyposis 1. Last evaluated: 2024-01-22. Review status: criteria provided, single submitter. Criteria: St. Jude Assertion Criteria 2020. Collection method: clinical testing. Allele origin: germline.
Comment: The APC c.4440G>C (p.Gln1480His) missense change is absent in gnomAD v2.1.1. The in silico tool REVEL is inconclusive about a pathogenic or benign effect of this variant on protein function, and to our knowledge functional studies have not been performed. To our knowledge, this variant has not been reported in the literature in individuals with APC-related disease. In summary, the evidence currently available is insufficient to determine the clinical significance of this variant. It has therefore been classified as of uncertain significance.?

All of Us Research Program, National Institutes of Health
Classification: Uncertain significance for Classic or attenuated familial adenomatous polyposis. Last evaluated: 2023-05-16. Review status: criteria provided, single submitter. Criteria: ACMG Guidelines, 2015. Collection method: clinical testing. Allele origin: germline. Inheritance: Autosomal dominant inheritance. Observed: 2 variant alleles, 2 heterozygotes.
Comment: This missense variant replaces glutamine with histidine at codon 1480 of the APC protein. Computational prediction is inconclusive regarding the impact of this variant on protein structure and function (internally defined REVEL score threshold 0.5 < inconclusive < 0.7, PMID: 27666373). To our knowledge, functional studies have not been reported for this variant. This variant has not been reported in individuals affected with APC-related disorders in the literature. This variant has not been identified in the general population by the Genome Aggregation Database (gnomAD). The available evidence is insufficient to determine the role of this variant in disease conclusively. Therefore, this variant is classified as a Variant of Uncertain Significance.

This study involves interpretation of variants in research participants for the purpose of population health screening. Participant phenotype was not available at the time of variant classification. Additional details can be found in publication PMID: 35346344, PMCID: PMC8962531

Baylor Genetics
Classification: Uncertain significance for Familial adenomatous polyposis 1. Last evaluated: 2023-05-02. Review status: criteria provided, single submitter. Criteria: ACMG Guidelines, 2015. Collection method: clinical testing. Allele origin: unknown.

Ambry Genetics
Classification: Uncertain significance for Hereditary cancer-predisposing syndrome. Last evaluated: 2023-01-09. Review status: criteria provided, single submitter. Criteria: Ambry Variant Classification Scheme 2023. Collection method: clinical testing. Allele origin: germline.
Comment: The p.Q1480H variant (also known as c.4440G>C), located in coding exon 15 of the APC gene, results from a G to C substitution at nucleotide position 4440. The glutamine at codon 1480 is replaced by histidine, an amino acid with highly similar properties. This amino acid position is highly conserved in available vertebrate species. In addition, in silico predictors for this gene do not accurately predict pathogenicity. Since supporting evidence is limited at this time, the clinical significance of this alteration remains unclear.

GeneDx
Classification: Uncertain significance. Last evaluated: 2022-10-17. Review status: criteria provided, single submitter. Criteria: GeneDx Variant Classification Process June 2021. Collection method: clinical testing. Allele origin: germline. Affected: yes.
Comment: Not observed at significant frequency in large population cohorts (gnomAD); In silico analysis supports that this missense variant does not alter protein structure/function; Has not been previously published as pathogenic or benign to our knowledge; This variant is associated with the following publications: (PMID: 18199528, 27533247)

3DMed Clinical Laboratory Inc
Classification: Uncertain significance for Intrahepatic Cholangiocarcinoma. Last evaluated: 2017-08-16. Review status: no assertion criteria provided. Criteria: ACMG Guidelines, 2015. Collection method: clinical testing. Allele origin: germline. Affected: yes. Not counted in ClinVar's aggregate classification.